The following is an entry in ClinVar:

ClinVar aggregate classification (germline): Uncertain significance. Review status: criteria provided, multiple submitters, no conflicts (2 of 4 stars). 2 submissions from 2 submitters: Uncertain significance (2). Last evaluated 2025-12-16.

Conditions:
Primary ciliary dyskinesia. Also called: Ciliary dyskinesia. Identifiers: Orphanet 244, MedGen C0008780, MONDO:0016575, HP:0012265.

Allele frequency attached by ClinVar (database versions not stated): gnomAD 0.00004 and 0.00006; gnomAD exomes 0.00004; TOPMed 0.00005; ExAC 0.00015; 1000 Genomes Project 0.00040; 1000 Genomes Project 30x 0.00047.
gnomAD v4.1: 49 of 1,551,570 alleles (0.0032%); highest among the groups gnomAD compares: South Asian, 0.03%; 1 homozygote.

Submissions (2):

Ambry Genetics
Classification: Uncertain significance for Primary ciliary dyskinesia. Last evaluated: 2025-12-16. Review status: criteria provided, single submitter. Criteria: Ambry Variant Classification Scheme 2023. Collection method: clinical testing. Allele origin: germline.
Comment: The p.R52W variant (also known as c.154C>T), located in coding exon 2 of the CCDC114 gene, results from a C to T substitution at nucleotide position 154. The arginine at codon 52 is replaced by tryptophan, an amino acid with dissimilar properties. This amino acid position is conserved. In addition, this alteration is predicted to be tolerated by in silico analysis. Based on the available evidence, the clinical significance of this variant remains unclear.

Labcorp Genetics (formerly Invitae), Labcorp
Classification: Uncertain significance for Primary ciliary dyskinesia. Last evaluated: 2025-09-03. Review status: criteria provided, single submitter. Criteria: Invitae Variant Classification Sherloc (09022015). Collection method: clinical testing. Allele origin: germline.
Comment: This sequence change replaces arginine, which is basic and polar, with tryptophan, which is neutral and slightly polar, at codon 52 of the CCDC114 protein (p.Arg52Trp). This variant is present in population databases (rs547720986, gnomAD 0.02%). This variant has not been reported in the literature in individuals affected with CCDC114-related conditions. ClinVar contains an entry for this variant (Variation ID: 1682901). An algorithm developed to predict the effect of missense changes on protein structure and function (PolyPhen-2) suggests that this variant is likely to be disruptive. In summary, the available evidence is currently insufficient to determine the role of this variant in disease. Therefore, it has been classified as a Variant of Uncertain Significance.

NM_001364171.2(ODAD1):c.265C>T (p.Arg89Trp)

Gene: ODAD1 (outer dynein arm docking complex subunit 1; minus strand). Cytogenetic location: 19q13.33.
Variant type: single nucleotide variant.
Coding change: c.265C>T on transcript NM_001364171.2 (MANE Select); coding-DNA position 265, C replaced by T.
Protein change: p.Arg89Trp; replaces arginine 89 with tryptophan.
Molecular consequence: missense variant.
Genome position (GRCh38, 1-based): chr19:48,318,482, G>A on the plus strand (C>T on the coding strand, the complement: ODAD1 is on the minus strand). VCF-style: chr19-48318482-G-A. GRCh37 (hg19) VCF-style: chr19-48821739-G-A.
Other names: c.154C>T, p.Arg52Trp (NM_144577.4); c.154C>T (NM_144577.3); short protein forms R52W, R89W.
Identifiers: ClinVar variation 1682901 (VCV001682901.7), dbSNP rs547720986, ClinGen allele CA9549073.
Genomic context (GRCh38, chr19:48,318,482, plus strand): 5'-CCTCGATCTCCGCCTGCACCTGGGCCCGGCCCTTCAGCAGGCGGTCCATGTTCTCCAGCC[G>A]CTGACTGTCCCGAAGCCGCTTGACCTGGTTCTGGGCTGCGCTGATCTGCACCTGGAGATC-3'
Protein context (NP_001351100.1, residues 79-99): NQVKRLRDSQ[Arg89Trp]LENMDRLLKG